The following is an entry in ClinVar:

ClinVar aggregate classification (germline): Pathogenic. Review status: reviewed by expert panel (3 of 4 stars). 3 submissions from 3 submitters: Pathogenic (1). 2 of the submissions do not count toward it. Last evaluated 2016-09-08.

Conditions:
Hereditary cancer-predisposing syndrome. Also called: Tumor predisposition; Hereditary Cancer Syndrome; Neoplastic Syndromes, Hereditary; Hereditary neoplastic syndrome. Identifiers: Orphanet 140162, MedGen C0027672, MeSH D009386, MONDO:0015356.
Breast-ovarian cancer, familial, susceptibility to, 2 (BROVCA2). Also called: BRCA2 Hereditary Breast and Ovarian Cancer. Identifiers: Orphanet 145, MedGen C2675520, MONDO:0012933, OMIM 612555. Disease mechanism: loss of function.

Submissions (3):

Evidence-based Network for the Interpretation of Germline Mutant Alleles (ENIGMA)
Classification: Pathogenic for Breast-ovarian cancer, familial, susceptibility to, 2. Last evaluated: 2016-09-08. Review status: reviewed by expert panel. Criteria: ENIGMA BRCA1/2 Classification Criteria (2015). Collection method: curation. Allele origin: germline.
Comment: Variant allele predicted to encode a truncated non-functional protein.

Ambry Genetics
Classification: Pathogenic for Hereditary cancer-predisposing syndrome. Last evaluated: 2025-03-11. Review status: criteria provided, single submitter. Criteria: Ambry Variant Classification Scheme 2023. Collection method: clinical testing. Allele origin: germline. Not counted in ClinVar's aggregate classification.
Comment: The c.6018_6019dupTA pathogenic mutation, located in coding exon 10 of the BRCA2 gene, results from a duplication of TA at nucleotide position 6018, causing a translational frameshift with a predicted alternate stop codon (p.T2007Ifs*34). This variant is considered to be rare based on population cohorts in the Genome Aggregation Database (gnomAD). This alteration is expected to result in loss of function by premature protein truncation or nonsense-mediated mRNA decay. As such, this alteration is interpreted as a disease-causing mutation.

Sharing Clinical Reports Project (SCRP)
Classification: Pathogenic for Breast-ovarian cancer, familial 2. Last evaluated: 2007-06-13. Review status: no assertion criteria provided. Collection method: clinical testing. Allele origin: germline. Not counted in ClinVar's aggregate classification.

NM_000059.4(BRCA2):c.6018_6019dup (p.Thr2007fs)

Gene: BRCA2 (BRCA2 DNA repair associated; plus strand). Cytogenetic location: 13q13.1.
Variant type: Duplication.
Coding change: c.6018_6019dup on transcript NM_000059.4 (MANE Select); coding-DNA positions 6018 to 6019, 2 bases duplicated (TA; older notation c.6018_6019dupTA).
Protein change: p.Thr2007fs; shifts the reading frame from threonine 2007.
Molecular consequence: frameshift variant.
Genome position (GRCh38, 1-based): chr13:32,340,373-32,340,374, TA duplicated. VCF-style (leftmost placement, unchanged base first): chr13-32340372-G-GTA. GRCh37 (hg19) VCF-style: chr13-32914509-G-GTA.
Other names: 6247insTA; c.6018_6019dupTA (NM_000059.3); short protein forms T2007fs.
Identifiers: ClinVar variation 91434 (VCV000091434.3), dbSNP rs398122545, ClinGen allele CA023526.